The following is an entry in ClinVar:

NM_000019.4(ACAT1):c.1160T>C (p.Ile387Thr)

Gene: ACAT1 (acetyl-CoA acetyltransferase 1; plus strand). Cytogenetic location: 11q22.3.
Variant type: single nucleotide variant.
Coding change: c.1160T>C on transcript NM_000019.4 (MANE Select); coding-DNA position 1160, T replaced by C.
Protein change: p.Ile387Thr; replaces isoleucine 387 with threonine.
Molecular consequence: missense variant.
Genome position (GRCh38, 1-based): chr11:108,146,356, T>C. VCF-style: chr11-108146356-T-C. GRCh37 (hg19) VCF-style: chr11-108017083-T-C.
Other names: c.1160T>C, p.Ile387Thr (LRG_1400t1); short protein forms I387T.
Identifiers: ClinVar variation 429773 (VCV000429773.16), dbSNP rs748303093, ClinGen allele CA6263371.

ClinVar aggregate classification (germline): Pathogenic/Likely pathogenic. Review status: criteria provided, multiple submitters, no conflicts (2 of 4 stars). 6 submissions from 6 submitters: Pathogenic (2); Likely pathogenic (3). 1 of the submissions does not count toward it. Last evaluated 2025-11-12.

Conditions:
Deficiency of acetyl-CoA acetyltransferase. Also called: Beta-ketothiolase deficiency; 3-KETOTHIOLASE DEFICIENCY; 3-OXOTHIOLASE DEFICIENCY; MITOCHONDRIAL ACETOACETYL-CoA THIOLASE DEFICIENCY. Identifiers: Orphanet 134, MedGen C1536500, MONDO:0008760, OMIM 203750. Disease mechanism: loss of function.

Allele frequency attached by ClinVar (database versions not stated): gnomAD 0.00001; TOPMed 0.00002.
gnomAD v4.1: 6 of 1,613,770 alleles (0.00037%); highest among the groups gnomAD compares: East Asian, 0.0022%; no homozygotes.

Submissions (6):

Natera, Inc.
Classification: Likely pathogenic for Alpha-methylacetoacetic aciduria. Last evaluated: 2025-11-12. Review status: criteria provided, single submitter. Criteria: Natera Variant Classification Schema (03/2026). Collection method: clinical testing. Allele origin: germline.
Comment: The c.1160T>C variant in ACAT1 is a missense variant predicted to cause substitution of isoleucine to threonine at amino acid 387. This variant is rare in the general population with a frequency below the threshold expected for the associated phenotype(s). This variant has been observed in one or more individuals affected with the associated recessive disease, as either homozygous or compound heterozygous with a second variant (PMID: 28726122). This variant has been identified in one or more affected individual with a phenotype highly consistent with the associated gene (PMID: 28726122). Computational prediction algorithms indicate this variant is likely to affect gene or protein function. Given the available evidence, this variant is classified as Likely Pathogenic.

Labcorp Genetics (formerly Invitae), Labcorp
Classification: Pathogenic for Deficiency of acetyl-CoA acetyltransferase. Last evaluated: 2024-05-10. Review status: criteria provided, single submitter. Criteria: Invitae Variant Classification Sherloc (09022015). Collection method: clinical testing. Allele origin: germline.
Comment: This sequence change replaces isoleucine, which is neutral and non-polar, with threonine, which is neutral and polar, at codon 387 of the ACAT1 protein (p.Ile387Thr). This variant is present in population databases (rs748303093, gnomAD 0.01%). This missense change has been observed in individual(s) with beta-ketothiolase deficiency (PMID: 28726122). In at least one individual the data is consistent with being in trans (on the opposite chromosome) from a pathogenic variant. ClinVar contains an entry for this variant (Variation ID: 429773). Advanced modeling of protein sequence and biophysical properties (such as structural, functional, and spatial information, amino acid conservation, physicochemical variation, residue mobility, and thermodynamic stability) performed at Invitae indicates that this missense variant is expected to disrupt ACAT1 protein function with a positive predictive value of 95%. For these reasons, this variant has been classified as Pathogenic.

Department of Pediatrics, Gifu University
Classification: Likely pathogenic for Deficiency of acetyl-CoA acetyltransferase. Last evaluated: 2019-05-05. Review status: criteria provided, single submitter. Criteria: ACMG Guidelines, 2015. Collection method: literature only. Allele origin: germline. Affected: yes. Observed: 1 variant allele.

GeneDx
Classification: Likely pathogenic. Last evaluated: 2015-10-02. Review status: criteria provided, single submitter. Criteria: GeneDx Variant Classification (06012015). Collection method: clinical testing. Allele origin: germline. Affected: yes.
Comment: The I387T variant in the ACAT1 gene has not been published as a pathogenic variant, nor has it been reported as a benign polymorphism to our knowledge. The I387T variant was not observed in approximately 6500 individuals of European and African American ancestry in the NHLBI Exome Sequencing Project, indicating it is not a common benign variant in these populations. The I387T variant is a non-conservative amino acid substitution, which is likely to impact secondary protein structure as these residues differ in polarity, charge, size and/or other properties. This substitution occurs at a position that is conserved across species and in silico analysis predicts this variant is probably damaging to the protein structure/function. Missense variants in nearby residues (G379V, A380T, S390P, H397D) have been reported in the Human Gene Mutation Database in association with acetoacetyl-CoA thiolase deficiency (also known as alpha-methylacetoacetic aciduria) (Stenson et al., 2014), supporting the functional importance of this region of the protein. The I387T variant is a strong candidate for a pathogenic variant, however the possibility it may be a rare benign variant cannot be excluded

Juno Genomics, Hangzhou Juno Genomics, Inc
Classification: Pathogenic for Deficiency of acetyl-CoA acetyltransferase. Review status: criteria provided, single submitter. Criteria: ACMG Guidelines, 2015. Collection method: clinical testing. Allele origin: germline.
Comment: Absent from controls (or at extremely low frequency if recessive) in Genome Aggregation Database.;Multiple lines of computational evidence support a deleterious effect on the gene or gene product.;For recessive disorders, detected in trans with a pathogenic variant.;Patient's phenotype or family history is highly specific for a disease with a single genetic etiology.

Yale Center for Mendelian Genomics, Yale University
Classification: Pathogenic for Beta-Ketothiolase Deficiency. Last evaluated: 2017-07-20. Review status: no assertion criteria provided. Collection method: literature only. Allele origin: biparental. Affected: yes. Observed: 1 compound heterozygote. Not counted in ClinVar's aggregate classification.

Literature cited by the submitters: PubMed 28726122 (cited by 3 submitters); PubMed 31268215 (cited by Department of Pediatrics, Gifu University).